The following is an entry in ClinVar:

ClinVar aggregate classification (germline): Likely benign. Review status: criteria provided, multiple submitters, no conflicts (2 of 4 stars). 4 submissions from 4 submitters: Likely benign (3). 1 of the submissions does not count toward it. Last evaluated 2026-06-01.

Conditions:
EPHB4-related disorder. Also called: EPHB4-related disorders; EPHB4-related condition.
Cardiovascular phenotype. Identifiers: MedGen CN230736.

Allele frequency attached by ClinVar (database versions not stated): gnomAD 0.00001; TOPMed 0.00001; ExAC 0.00002; 1000 Genomes Project 30x 0.00016; 1000 Genomes Project 0.00020.
gnomAD v4.1: 11 of 1,613,966 alleles (0.00068%); highest among the groups gnomAD compares: East Asian, 0.0022%; no homozygotes.

Submissions (4):

CeGaT Center for Human Genetics Tuebingen
Classification: Likely benign. Last evaluated: 2026-06-01. Review status: criteria provided, single submitter. Criteria: CeGaT Center For Human Genetics Tuebingen Variant Classification Criteria Version 2. Collection method: clinical testing. Allele origin: germline. Affected: yes. Observed: 1 variant allele.
Comment: EPHB4: BP4, BP7

Labcorp Genetics (formerly Invitae), Labcorp
Classification: Likely benign. Last evaluated: 2024-04-03. Review status: criteria provided, single submitter. Criteria: Invitae Variant Classification Sherloc (09022015). Collection method: clinical testing. Allele origin: germline.

Ambry Genetics
Classification: Likely benign for Cardiovascular phenotype. Last evaluated: 2020-03-19. Review status: criteria provided, single submitter. Criteria: Ambry Variant Classification Scheme 2023. Collection method: clinical testing. Allele origin: germline.

PreventionGenetics, part of Exact Sciences
Classification: Likely benign for EPHB4-related condition. Last evaluated: 2024-07-17. Review status: no assertion criteria provided. Collection method: clinical testing. Allele origin: germline. Not counted in ClinVar's aggregate classification.
Comment: This variant is classified as likely benign based on ACMG/AMP sequence variant interpretation guidelines (Richards et al. 2015 PMID: 25741868, with internal and published modifications).

NM_004444.5(EPHB4):c.2268G>A (p.Val756=)

Gene: EPHB4 (EPH receptor B4; minus strand). Cytogenetic location: 7q22.1.
Variant type: single nucleotide variant.
Coding change: c.2268G>A on transcript NM_004444.5 (MANE Select); coding-DNA position 2268, G replaced by A.
Protein change: p.Val756=; no amino-acid change (valine 756 retained).
Molecular consequence: synonymous variant.
Genome position (GRCh38, 1-based): chr7:100,807,431, C>T on the plus strand (G>A on the coding strand, the complement: EPHB4 is on the minus strand). VCF-style: chr7-100807431-C-T. GRCh37 (hg19) VCF-style: chr7-100405053-C-T.
Identifiers: ClinVar variation 1788722 (VCV001788722.7), dbSNP rs554530916, ClinGen allele CA4392687.